The following is an entry in ClinVar:

NM_018150.4(RNF220):c.414G>A (p.Pro138=)

Gene: RNF220 (ring finger protein 220; plus strand). Cytogenetic location: 1p34.1.
Variant type: single nucleotide variant.
Coding change: c.414G>A on transcript NM_018150.4 (MANE Select); coding-DNA position 414, G replaced by A.
Protein change: p.Pro138=; no amino-acid change (proline 138 retained).
Molecular consequence: synonymous variant.
Genome position (GRCh38, 1-based): chr1:44,412,511, G>A. VCF-style: chr1-44412511-G-A. GRCh37 (hg19) VCF-style: chr1-44878183-G-A.
Other names: c.414G>A, p.Pro138= (NM_001319956.1, NM_001376486.1, NM_001376487.1 and 1 more transcripts).
Identifiers: ClinVar variation 4821056 (VCV004821056.4).

ClinVar aggregate classification (germline): Likely benign (1 of 4 stars; one submission).

gnomAD v4.1: 44 of 1,613,778 alleles (0.0027%); highest among the groups gnomAD compares: Middle Eastern, 0.017%; no homozygotes.

Submission:

CeGaT Center for Human Genetics Tuebingen
Classification: Likely benign. Last evaluated: 2026-01-01. Review status: criteria provided, single submitter. Criteria: CeGaT Center For Human Genetics Tuebingen Variant Classification Criteria Version 2. Collection method: clinical testing. Allele origin: germline. Affected: yes. Observed: 1 variant allele.
Comment: RNF220: BP4, BP7